The following is an entry in ClinVar:

ClinVar aggregate classification (germline): Uncertain significance. Review status: criteria provided, multiple submitters, no conflicts (2 of 4 stars). 2 submissions from 2 submitters: Uncertain significance (2). Last evaluated 2025-06-05.

Conditions:
Inborn genetic diseases. Identifiers: MedGen C0950123, MeSH D030342.

Submissions (2):

GeneDx
Classification: Uncertain significance. Last evaluated: 2025-06-05. Review status: criteria provided, single submitter. Criteria: GeneDx Variant Classification Process June 2021. Collection method: clinical testing. Allele origin: germline.
Comment: Not observed at significant frequency in large population cohorts (gnomAD); In silico analysis supports that this missense variant has a deleterious effect on protein structure/function; Has not been previously published as pathogenic or benign to our knowledge

Ambry Genetics
Classification: Uncertain significance for Inborn genetic diseases. Last evaluated: 2024-09-30. Review status: criteria provided, single submitter. Criteria: Ambry Variant Classification Scheme 2023. Collection method: clinical testing. Allele origin: germline.

NM_006922.4(SCN3A):c.476A>G (p.Tyr159Cys)

Gene: SCN3A (sodium voltage-gated channel alpha subunit 3; minus strand). Cytogenetic location: 2q24.3.
Variant type: single nucleotide variant.
Coding change: c.476A>G on transcript NM_006922.4 (MANE Select); coding-DNA position 476, A replaced by G.
Protein change: p.Tyr159Cys; replaces tyrosine 159 with cysteine.
Molecular consequence: missense variant.
Genome position (GRCh38, 1-based): chr2:165,164,518, T>C on the plus strand (A>G on the coding strand, the complement: SCN3A is on the minus strand). VCF-style: chr2-165164518-T-C. GRCh37 (hg19) VCF-style: chr2-166021028-T-C.
Other names: c.476A>G, p.Tyr159Cys (NM_001081676.2, NM_001081677.2); short protein forms Y159C.
Identifiers: ClinVar variation 3365513 (VCV003365513.3).
Genomic context (GRCh38, chr2:165,164,518, plus strand): 5'-CAAAACCCTCTTGCCAAGATTTTTATAAGTGACTCAAAGGTATAGATTCCAGTGAATGTG[T>C]ACCTAGGAAAAACATCCAAGCCAAAATTAACAATTTTGCTTGAACTGTTAAAATAAATGT-3'
Protein context (NP_008853.3, residues 149-169): NPPDWTKNVE[Tyr159Cys]TFTGIYTFES